The following is an entry in ClinVar:

NM_005592.4(MUSK):c.1751G>A (p.Gly584Glu)

Gene: MUSK (muscle associated receptor tyrosine kinase; plus strand). Cytogenetic location: 9q31.3.
Variant type: single nucleotide variant.
Coding change: c.1751G>A on transcript NM_005592.4 (MANE Select); coding-DNA position 1751, G replaced by A.
Protein change: p.Gly584Glu; replaces glycine 584 with glutamic acid.
Molecular consequence: missense variant.
Genome position (GRCh38, 1-based): chr9:110,785,691, G>A. VCF-style: chr9-110785691-G-A. GRCh37 (hg19) VCF-style: chr9-113547971-G-A.
Other names: c.491G>A, p.Gly164Glu (NM_001369398.1); c.1493G>A, p.Gly498Glu (NM_001166280.2); c.1463G>A, p.Gly488Glu (NM_001166281.2); short protein forms G164E, G488E, G498E, G584E.
Identifiers: ClinVar variation 1965532 (VCV001965532.2), dbSNP rs2077845066, ClinGen allele CA374475953.

ClinVar aggregate classification (germline): Uncertain significance (1 of 4 stars; one submission).

Conditions:
Congenital myasthenic syndrome 9. Also called: Myasthenic syndrome, congenital, 9, associated with acetylcholine receptor deficiency. Identifiers: Orphanet 590, MedGen C4225368, MONDO:0014587, OMIM 616325.
Fetal akinesia deformation sequence 1 (FADS1). Also called: Pena-Shokeir syndrome type I; Fetal akinesia sequence. Identifiers: Orphanet 994, MedGen C1276035, MONDO:0100101, OMIM 208150, HP:0001989.

Allele frequency attached by ClinVar (database versions not stated): TOPMed below 0.00001.

Submission:

Labcorp Genetics (formerly Invitae), Labcorp
Classification: Uncertain significance for Congenital myasthenic syndrome 9; Fetal akinesia deformation sequence 1. Last evaluated: 2022-02-14. Review status: criteria provided, single submitter. Criteria: Invitae Variant Classification Sherloc (09022015). Collection method: clinical testing. Allele origin: germline.
Comment: This sequence change replaces glycine, which is neutral and non-polar, with glutamic acid, which is acidic and polar, at codon 584 of the MUSK protein (p.Gly584Glu). This variant is not present in population databases (gnomAD no frequency). This variant has not been reported in the literature in individuals affected with MUSK-related conditions. Advanced modeling of protein sequence and biophysical properties (such as structural, functional, and spatial information, amino acid conservation, physicochemical variation, residue mobility, and thermodynamic stability) performed at Invitae indicates that this missense variant is expected to disrupt MUSK protein function. In summary, the available evidence is currently insufficient to determine the role of this variant in disease. Therefore, it has been classified as a Variant of Uncertain Significance.